The following is an entry in ClinVar:

ClinVar aggregate classification (germline): Likely pathogenic (1 of 4 stars; one submission).

Allele frequency attached by ClinVar (database versions not stated): ExAC 0.00001.
gnomAD v4.1: 1 of 1,613,964 alleles (0.000062%); highest among the groups gnomAD compares: Admixed American, 0.0017%; no homozygotes.

Submission:

Labcorp Genetics (formerly Invitae), Labcorp
Classification: Likely pathogenic. Last evaluated: 2022-08-09. Review status: criteria provided, single submitter. Criteria: Invitae Variant Classification Sherloc (09022015). Collection method: clinical testing. Allele origin: germline.
Comment: In summary, the currently available evidence indicates that the variant is pathogenic, but additional data are needed to prove that conclusively. Therefore, this variant has been classified as Likely Pathogenic. Algorithms developed to predict the effect of sequence changes on RNA splicing suggest that this variant may disrupt the consensus splice site. This variant has not been reported in the literature in individuals affected with IFT43-related conditions. This variant is present in population databases (rs771473725, gnomAD 0.003%). This sequence change affects a donor splice site in intron 1 of the IFT43 gene. It is expected to disrupt RNA splicing. Variants that disrupt the donor or acceptor splice site typically lead to a loss of protein function (PMID: 16199547), and loss-of-function variants in IFT43 are known to be pathogenic (PMID: 21378380, 28400947).

Literature cited by the submitters: PubMed 16199547; PubMed 21378380; PubMed 28400947.

NM_001102564.3(IFT43):c.54+2T>A

Gene: IFT43 (intraflagellar transport 43; plus strand). Cytogenetic location: 14q24.3.
Variant type: single nucleotide variant.
Coding change: c.54+2T>A on transcript NM_001102564.3 (MANE Select); the canonical splice donor site of the intron after coding-DNA position 54, T replaced by A.
Molecular consequence: splice donor variant.
Genome position (GRCh38, 1-based): chr14:75,985,842, T>A. VCF-style: chr14-75985842-T-A. GRCh37 (hg19) VCF-style: chr14-76452185-T-A.
Other names: c.54+2T>A (NM_052873.3, NM_001255995.3).
Identifiers: ClinVar variation 2070174 (VCV002070174.4), dbSNP rs771473725, ClinGen allele CA7280591.